The following is an entry in ClinVar:

ClinVar aggregate classification (germline): Conflicting classifications of pathogenicity. Review status: criteria provided, conflicting classifications (1 of 4 stars). 3 submissions from 3 submitters: Uncertain significance (2); Likely benign (1). Last evaluated 2026-05-01.

Conditions:
Multiple congenital anomalies-hypotonia-seizures syndrome 2 (MCAHS2). Also called: EPILEPTIC ENCEPHALOPATHY, EARLY INFANTILE, 20; GLYCOSYLPHOSPHATIDYLINOSITOL BIOSYNTHESIS DEFECT 4. Identifiers: Orphanet 300496, MedGen C3275508, MONDO:0010466, OMIM 300868.
Inborn genetic diseases. Identifiers: MedGen C0950123, MeSH D030342.

Allele frequency attached by ClinVar (database versions not stated): TOPMed below 0.00001; ExAC 0.00001; gnomAD exomes 0.00001.
gnomAD v4.1: 5 of 1,211,764 alleles (0.00041%); highest among the groups gnomAD compares: Non-Finnish European, 0.00045%; no homozygotes.

Submissions (3):

CeGaT Center for Human Genetics Tuebingen
Classification: Likely benign. Last evaluated: 2026-05-01. Review status: criteria provided, single submitter. Criteria: CeGaT Center For Human Genetics Tuebingen Variant Classification Criteria Version 2. Collection method: clinical testing. Allele origin: germline. Affected: yes. Observed: 1 variant allele.
Comment: PIGA: BP4

Labcorp Genetics (formerly Invitae), Labcorp
Classification: Uncertain significance for Multiple congenital anomalies-hypotonia-seizures syndrome 2. Last evaluated: 2025-08-06. Review status: criteria provided, single submitter. Criteria: Invitae Variant Classification Sherloc (09022015). Collection method: clinical testing. Allele origin: germline.
Comment: This sequence change replaces arginine, which is basic and polar, with cysteine, which is neutral and slightly polar, at codon 31 of the PIGA protein (p.Arg31Cys). This variant is not present in population databases (gnomAD no frequency). This variant has not been reported in the literature in individuals affected with PIGA-related conditions. ClinVar contains an entry for this variant (Variation ID: 871038). An algorithm developed to predict the effect of missense changes on protein structure and function outputs the following: PolyPhen-2: "Benign". The cysteine amino acid residue is found in multiple mammalian species, which suggests that this missense change does not adversely affect protein function. In summary, the available evidence is currently insufficient to determine the role of this variant in disease. Therefore, it has been classified as a Variant of Uncertain Significance.

Ambry Genetics
Classification: Uncertain significance for Inborn genetic diseases. Last evaluated: 2021-09-17. Review status: criteria provided, single submitter. Criteria: Ambry Variant Classification Scheme 2023. Collection method: clinical testing. Allele origin: germline.

NM_002641.4(PIGA):c.91C>T (p.Arg31Cys)

Gene: PIGA (phosphatidylinositol glycan anchor biosynthesis class A; minus strand). Cytogenetic location: Xp22.2.
Variant type: single nucleotide variant.
Coding change: c.91C>T on transcript NM_002641.4 (MANE Select); coding-DNA position 91, C replaced by T.
Protein change: p.Arg31Cys; replaces arginine 31 with cysteine.
Molecular consequence: missense variant. On other transcripts: non-coding transcript variant (1), intron variant (1).
Genome position (GRCh38, 1-based): chrX:15,331,840, G>A on the plus strand (C>T on the coding strand, the complement: PIGA is on the minus strand). VCF-style: chrX-15331840-G-A. GRCh37 (hg19) VCF-style: chrX-15349962-G-A.
Other names: c.13+3661C>T (NM_020473.3); c.91C>T (NM_002641.3); short protein forms R31C.
Identifiers: ClinVar variation 871038 (VCV000871038.51), dbSNP rs780532806, ClinGen allele CA10354190.
Genomic context (GRCh38, chrX:15,331,840, plus strand): 5'-TTTCCACGCCTCCCATATTTGGGTAGAAAAAGTCAGATACCATGCATATATTATGGGTAC[G>A]GGTTCTACATGTGTAAAGACTTCCAGGGCTAACCCGAGAGAGTGTAGCTGAGGCACGGTG-3'
Protein context (NP_002632.1, residues 21-41): SPGSLYTCRT[Arg31Cys]THNICMVSDF